The following is an entry in ClinVar:

ClinVar aggregate classification (germline): Benign. Review status: criteria provided, multiple submitters, no conflicts (2 of 4 stars). 4 submissions from 3 submitters: Benign (4). Last evaluated 2026-02-04.

Conditions:
Retinitis pigmentosa (RP). Identifiers: Orphanet 791, MedGen C0035334, MeSH D012174, MONDO:0019200, OMIM 268000. Inheritance: Autosomal dominant, autosomal recessive and X linked inheritance.
Leber congenital amaurosis 3 (LCA3). Also called: SPATA7-Related Retinitis Pigmentosa. Identifiers: MedGen C1858677, MONDO:0011415, OMIM 604232.

Allele frequency attached by ClinVar (database versions not stated): gnomAD exomes 0.00329 and 0.00930; ExAC 0.01124; gnomAD 0.03542 and 0.03818; 1000 Genomes Project 0.03874; TOPMed 0.04026; 1000 Genomes Project 30x 0.04154; ESP Exome Variant Server 0.04375.
gnomAD v4.1: 10,411 of 1,614,082 alleles (0.65%); highest among the groups gnomAD compares: African/African-American, 12%; 569 homozygotes.

Submissions (4):

Labcorp Genetics (formerly Invitae), Labcorp
Classification: Benign for Leber congenital amaurosis 3. Last evaluated: 2026-02-04. Review status: criteria provided, single submitter. Criteria: Invitae Variant Classification Sherloc (09022015). Collection method: clinical testing. Allele origin: germline.

Illumina Laboratory Services, Illumina
Classification: Benign for Leber congenital amaurosis 3. Last evaluated: 2018-01-13. Review status: criteria provided, single submitter. Criteria: ICSL Variant Classification Criteria 13 December 2019. Collection method: clinical testing. Allele origin: germline.
Comment: This variant was observed in the ICSL laboratory as part of a predisposition screen in an ostensibly healthy population. It had not been previously curated by ICSL or reported in the Human Gene Mutation Database (HGMD: prior to June 1st, 2018), and was therefore a candidate for classification through an automated scoring system. Utilizing variant allele frequency, disease prevalence and penetrance estimates, and inheritance mode, an automated score was calculated to assess if this variant is too frequent to cause the disease. Based on the score and internal cut-off values, a variant classified as benign is not then subjected to further curation. The score for this variant resulted in a classification of benign for this disease.

Illumina Laboratory Services, Illumina
Classification: Benign for Retinitis pigmentosa. Last evaluated: 2018-01-13. Review status: criteria provided, single submitter. Criteria: ICSL Variant Classification Criteria 13 December 2019. Collection method: clinical testing. Allele origin: germline.
Comment: the same text as in the submission from Illumina Laboratory Services, Illumina above.

Breakthrough Genomics
Classification: Benign. Review status: criteria provided, single submitter. Criteria: ACMG Guidelines, 2015. Collection method: not provided. Allele origin: germline. Inheritance: Autosomal recessive inheritance. Affected: yes.

NM_018418.5(SPATA7):c.546T>C (p.Ser182=)

Gene: SPATA7 (spermatogenesis associated 7; plus strand). Cytogenetic location: 14q31.3.
Variant type: single nucleotide variant.
Coding change: c.546T>C on transcript NM_018418.5 (MANE Select); coding-DNA position 546, T replaced by C.
Protein change: p.Ser182=; no amino-acid change (serine 182 retained).
Molecular consequence: synonymous variant.
Genome position (GRCh38, 1-based): chr14:88,426,405, T>C. VCF-style: chr14-88426405-T-C. GRCh37 (hg19) VCF-style: chr14-88892749-T-C.
Other names: c.450T>C, p.Ser150= (NM_001040428.4).
Identifiers: ClinVar variation 314783 (VCV000314783.14), dbSNP rs17124665, ClinGen allele CA7298548.